The following is an entry in ClinVar:

ClinVar aggregate classification (germline): Pathogenic/Likely pathogenic. Review status: criteria provided, multiple submitters, no conflicts (2 of 4 stars). 2 submissions from 2 submitters: Pathogenic (1); Likely pathogenic (1). Last evaluated 2022-11-18.

Conditions:
Retinitis pigmentosa (RP). Identifiers: Orphanet 791, MedGen C0035334, MeSH D012174, MONDO:0019200, OMIM 268000. Inheritance: Autosomal dominant, autosomal recessive and X linked inheritance.

Submissions (2):

Labcorp Genetics (formerly Invitae), Labcorp
Classification: Likely pathogenic. Last evaluated: 2022-11-18. Review status: criteria provided, single submitter. Criteria: Invitae Variant Classification Sherloc (09022015). Collection method: clinical testing. Allele origin: germline.
Comment: This variant has not been reported in the literature in individuals affected with EYS-related conditions. This variant is not present in population databases (gnomAD no frequency). This sequence change affects an acceptor splice site in intron 35 of the EYS gene. It is expected to disrupt RNA splicing. Variants that disrupt the donor or acceptor splice site typically lead to a loss of protein function (PMID: 16199547), and loss-of-function variants in EYS are known to be pathogenic (PMID: 18836446, 20333770). Algorithms developed to predict the effect of sequence changes on RNA splicing suggest that this variant may disrupt the consensus splice site. ClinVar contains an entry for this variant (Variation ID: 972532). In summary, the currently available evidence indicates that the variant is pathogenic, but additional data are needed to prove that conclusively. Therefore, this variant has been classified as Likely Pathogenic.

Broad Center for Mendelian Genomics, Broad Institute of MIT and Harvard
Classification: Pathogenic for Retinitis pigmentosa. Last evaluated: 2021-04-01. Review status: criteria provided, single submitter. Criteria: ACMG Guidelines, 2015. Collection method: curation. Allele origin: germline. Inheritance: Autosomal recessive inheritance. Affected: yes.
Comment: Through a review of available evidence we were able to apply the following criteria: PVS1, PM2, PM3-P. Based on this evidence we have classified this variant as Pathogenic. If you have any questions about the classification please reach out to the Pierce Lab.

Literature cited by the submitters: PubMed 16199547 (cited by Labcorp Genetics (formerly Invitae), Labcorp); PubMed 18836446 (cited by Labcorp Genetics (formerly Invitae), Labcorp); PubMed 20333770 (cited by Labcorp Genetics (formerly Invitae), Labcorp); PubMed 34906470 (cited by Broad Center for Mendelian Genomics, Broad Institute of MIT and Harvard).

NM_001142800.2(EYS):c.7056-2A>C

Gene: EYS (EGF-like photoreceptor maintenance factor; minus strand). Cytogenetic location: 6q12.
Variant type: single nucleotide variant.
Coding change: c.7056-2A>C on transcript NM_001142800.2 (MANE Select); the canonical splice acceptor site of the intron before coding-DNA position 7056, A replaced by C.
Molecular consequence: splice acceptor variant.
Genome position (GRCh38, 1-based): chr6:63,864,360, T>G on the plus strand (A>C on the coding strand, the complement: EYS is on the minus strand). VCF-style: chr6-63864360-T-G. GRCh37 (hg19) VCF-style: chr6-64574253-T-G.
Other names: c.7056-2A>C (NM_001292009.2).
Identifiers: ClinVar variation 972532 (VCV000972532.9), dbSNP rs1772621012, ClinGen allele CA364386708.